The following is an entry in ClinVar:

NM_001365088.1(SLC12A6):c.880T>G (p.Tyr294Asp)

Gene: SLC12A6 (solute carrier family 12 member 6; minus strand). Cytogenetic location: 15q14.
Variant type: single nucleotide variant.
Coding change: c.880T>G on transcript NM_001365088.1 (MANE Select); coding-DNA position 880, T replaced by G.
Protein change: p.Tyr294Asp; replaces tyrosine 294 with aspartic acid.
Molecular consequence: missense variant.
Genome position (GRCh38, 1-based): chr15:34,254,586, A>C on the plus strand (T>G on the coding strand, the complement: SLC12A6 is on the minus strand). VCF-style: chr15-34254586-A-C. GRCh37 (hg19) VCF-style: chr15-34546787-A-C.
Other names: c.703T>G, p.Tyr235Asp (NM_001042494.2, NM_001042495.2); c.853T>G, p.Tyr285Asp (NM_001042496.2); c.835T>G, p.Tyr279Asp (NM_001042497.2); c.727T>G, p.Tyr243Asp (NM_005135.2); c.880T>G, p.Tyr294Asp (NM_133647.2); short protein forms Y279D, Y285D, Y235D, Y243D, Y294D.
Identifiers: ClinVar variation 3719955 (VCV003719955.2).

ClinVar aggregate classification (germline): Uncertain significance (1 of 4 stars; one submission).

Submission:

Labcorp Genetics (formerly Invitae), Labcorp
Classification: Uncertain significance. Last evaluated: 2025-01-01. Review status: criteria provided, single submitter. Criteria: Invitae Variant Classification Sherloc (09022015). Collection method: clinical testing. Allele origin: germline.
Comment: This sequence change replaces tyrosine, which is neutral and polar, with aspartic acid, which is acidic and polar, at codon 294 of the SLC12A6 protein (p.Tyr294Asp). This variant is not present in population databases (gnomAD no frequency). This variant has not been reported in the literature in individuals affected with SLC12A6-related conditions. Invitae Evidence Modeling of protein sequence and biophysical properties (such as structural, functional, and spatial information, amino acid conservation, physicochemical variation, residue mobility, and thermodynamic stability) indicates that this missense variant is expected to disrupt SLC12A6 protein function with a positive predictive value of 80%. In summary, the available evidence is currently insufficient to determine the role of this variant in disease. Therefore, it has been classified as a Variant of Uncertain Significance.